The following is an entry in ClinVar:

ClinVar aggregate classification (germline): Uncertain significance (1 of 4 stars; one submission).

Allele frequency attached by ClinVar (database versions not stated): ExAC 0.00001; gnomAD exomes 0.00001.
gnomAD v4.1: 8 of 1,613,812 alleles (0.0005%); highest among the groups gnomAD compares: South Asian, 0.0022%; no homozygotes.

Submission:

Labcorp Genetics (formerly Invitae), Labcorp
Classification: Uncertain significance. Last evaluated: 2022-07-19. Review status: criteria provided, single submitter. Criteria: Invitae Variant Classification Sherloc (09022015). Collection method: clinical testing. Allele origin: germline.
Comment: In summary, the available evidence is currently insufficient to determine the role of this variant in disease. Therefore, it has been classified as a Variant of Uncertain Significance. Advanced modeling of protein sequence and biophysical properties (such as structural, functional, and spatial information, amino acid conservation, physicochemical variation, residue mobility, and thermodynamic stability) performed at Invitae indicates that this missense variant is expected to disrupt CACNA1B protein function. This variant has not been reported in the literature in individuals affected with CACNA1B-related conditions. This variant is present in population databases (rs201000023, gnomAD 0.006%). This sequence change replaces arginine, which is basic and polar, with tryptophan, which is neutral and slightly polar, at codon 1451 of the CACNA1B protein (p.Arg1451Trp).

NM_000718.4(CACNA1B):c.4351C>T (p.Arg1451Trp)

Gene: CACNA1B (calcium voltage-gated channel subunit alpha1 B; plus strand). Cytogenetic location: 9q34.3.
Variant type: single nucleotide variant.
Coding change: c.4351C>T on transcript NM_000718.4 (MANE Select); coding-DNA position 4351, C replaced by T.
Protein change: p.Arg1451Trp; replaces arginine 1451 with tryptophan.
Molecular consequence: missense variant.
Genome position (GRCh38, 1-based): chr9:138,058,611, C>T. VCF-style: chr9-138058611-C-T. GRCh37 (hg19) VCF-style: chr9-140953063-C-T.
Other names: c.4351C>T, p.Arg1451Trp (NM_001243812.2); short protein forms R1451W.
Identifiers: ClinVar variation 1938250 (VCV001938250.3), dbSNP rs201000023, ClinGen allele CA5376968.